The following is an entry in ClinVar:

ClinVar aggregate classification (germline): Likely benign. Review status: criteria provided, multiple submitters, no conflicts (2 of 4 stars). 5 submissions from 5 submitters: Likely benign (5). Last evaluated 2026-01-05.

Conditions:
Early-infantile DEE. Also called: Ohtahara syndrome; Early infantile epileptic encephalopathy; Early infantile epileptic encephalopathy with suppression bursts. Identifiers: Orphanet 1934, MedGen C0393706, MONDO:0800491.

Allele frequency attached by ClinVar (database versions not stated): gnomAD 0.00001; gnomAD exomes 0.00001 and 0.00002; TOPMed 0.00001; ExAC 0.00003.
gnomAD v4.1: 38 of 1,612,594 alleles (0.0024%); highest among the groups gnomAD compares: Middle Eastern, 0.017%; 1 homozygote.

Submissions (5):

Labcorp Genetics (formerly Invitae), Labcorp
Classification: Likely benign for Early-infantile DEE. Last evaluated: 2026-01-05. Review status: criteria provided, single submitter. Criteria: Invitae Variant Classification Sherloc (09022015). Collection method: clinical testing. Allele origin: germline.

CeGaT Center for Human Genetics Tuebingen
Classification: Likely benign. Last evaluated: 2025-02-01. Review status: criteria provided, single submitter. Criteria: CeGaT Center For Human Genetics Tuebingen Variant Classification Criteria Version 2. Collection method: clinical testing. Allele origin: germline. Affected: yes. Observed: 3 variant alleles.
Comment: KCNQ2: BP4, BP7

Blueprint Genetics
Classification: Likely benign. Last evaluated: 2024-01-12. Review status: criteria provided, single submitter. Criteria: ACMG Guidelines, 2015. Collection method: clinical testing. Allele origin: germline.

GeneDx
Classification: Likely benign. Last evaluated: 2018-06-12. Review status: criteria provided, single submitter. Criteria: GeneDx Variant Classification (06012015). Collection method: clinical testing. Allele origin: germline. Affected: yes.
Comment: This variant is considered likely benign or benign based on one or more of the following criteria: it is a conservative change, it occurs at a poorly conserved position in the protein, it is predicted to be benign by multiple in silico algorithms, and/or has population frequency not consistent with disease.

Breakthrough Genomics
Classification: Likely benign. Review status: criteria provided, single submitter. Criteria: ACMG Guidelines, 2015. Collection method: not provided. Allele origin: germline. Inheritance: Autosomal dominant inheritance. Affected: yes.

NM_172107.4(KCNQ2):c.1506G>A (p.Ala502=)

Gene: KCNQ2 (potassium voltage-gated channel subfamily Q member 2; minus strand). Cytogenetic location: 20q13.33.
Variant type: single nucleotide variant.
Coding change: c.1506G>A on transcript NM_172107.4 (MANE Select); coding-DNA position 1506, G replaced by A.
Protein change: p.Ala502=; no amino-acid change (alanine 502 retained).
Molecular consequence: synonymous variant.
Genome position (GRCh38, 1-based): chr20:63,414,922, C>T on the plus strand (G>A on the coding strand, the complement: KCNQ2 is on the minus strand). VCF-style: chr20-63414922-C-T. GRCh37 (hg19) VCF-style: chr20-62046275-C-T.
Other names: c.1422G>A, p.Ala474= (NM_004518.6); c.1452G>A, p.Ala484= (NM_172106.3); c.1416G>A, p.Ala472= (NM_172108.5).
Identifiers: ClinVar variation 242009 (VCV000242009.37), dbSNP rs780293757, ClinGen allele CA9958446.